The following is an entry in ClinVar:

NM_001128425.2(MUTYH):c.40A>C (p.Ile14Leu)

Gene: MUTYH (mutY DNA glycosylase; minus strand). Cytogenetic location: 1p34.1.
Variant type: single nucleotide variant.
Coding change: c.40A>C on transcript NM_001128425.2 (MANE Plus Clinical); coding-DNA position 40, A replaced by C.
Protein change: p.Ile14Leu; replaces isoleucine 14 with leucine.
Molecular consequence: missense variant. On other transcripts: 5 prime UTR variant (10), non-coding transcript variant (2).
Genome position (GRCh38, 1-based): chr1:45,334,508, T>G on the plus strand (A>C on the coding strand, the complement: MUTYH is on the minus strand). VCF-style: chr1-45334508-T-G. GRCh37 (hg19) VCF-style: chr1-45800180-T-G.
Other names: c.-3A>C (NM_001048171.2, NM_001048172.2, NM_001048173.2 and 3 more transcripts); c.40A>C, p.Ile14Leu (NM_001293190.2, NM_012222.3); c.-215A>C (NM_001293192.2, NM_001293196.2); c.-274A>C (NM_001350650.2); c.-210A>C (NM_001350651.2); short protein forms I14L.
Identifiers: ClinVar variation 824592 (VCV000824592.4), dbSNP rs1570467299, ClinGen allele CA340137333.

ClinVar aggregate classification (germline): Uncertain significance (1 of 4 stars; one submission).

Conditions:
Hereditary cancer-predisposing syndrome. Also called: Neoplastic Syndromes, Hereditary; Tumor predisposition; Hereditary neoplastic syndrome; Hereditary Cancer Syndrome. Identifiers: Orphanet 140162, MedGen C0027672, MeSH D009386, MONDO:0015356.

Submission:

Ambry Genetics
Classification: Uncertain significance for Hereditary cancer-predisposing syndrome. Last evaluated: 2018-12-01. Review status: criteria provided, single submitter. Criteria: Ambry Variant Classification Scheme 2023. Collection method: clinical testing. Allele origin: germline.
Comment: The p.I14L variant (also known as c.40A>C), located in coding exon 2 of the MUTYH gene, results from an A to C substitution at nucleotide position 40. The isoleucine at codon 14 is replaced by leucine, an amino acid with highly similar properties. This amino acid position is well conserved in available vertebrate species. In addition, this alteration is predicted to be tolerated by in silico analysis. Since supporting evidence is limited at this time, the clinical significance of this alteration remains unclear.